The following is an entry in ClinVar:

ClinVar aggregate classification (germline): Pathogenic (1 of 4 stars; one submission).

Conditions:
ZTTK syndrome (ZTTKS). Also called: ZTTK MULTIPLE CONGENITAL ANOMALIES-MENTAL RETARDATION SYNDROME; Zhu-Tokita-Takenouchi-Kim Syndrome. Identifiers: Orphanet 500150, MedGen C4310696, MONDO:0014936, OMIM 617140.

Submission:

Genetics Laboratory, UDIAT-Centre Diagnòstic, Hospital Universitari Parc Tauli
Classification: Pathogenic for ZTTK syndrome. Last evaluated: 2025-04-07. Review status: criteria provided, single submitter. Criteria: ACMG Guidelines, 2015. Collection method: clinical testing. Allele origin: unknown. Inheritance: Autosomal dominant inheritance. Affected: yes.
Comment: PVS1_very strong;PM2_supporting;PM6_moderate

NM_138927.4(SON):c.5331_5334del (p.Arg1778fs)

Gene: SON (SON DNA and RNA binding protein; plus strand). Cytogenetic location: 21q22.11.
Variant type: Deletion.
Coding change: c.5331_5334del on transcript NM_138927.4 (MANE Select); coding-DNA positions 5331 to 5334, 4 bases deleted (AAGA; older notation c.5331_5334delAAGA).
Protein change: p.Arg1778fs; shifts the reading frame from arginine 1778.
Molecular consequence: frameshift variant. On other transcripts: non-coding transcript variant (1), intron variant (1).
Genome position (GRCh38, 1-based): chr21:33,554,562-33,554,565, AAGA deleted; deleting any 4 consecutive bases within chr21:33,554,559-33,554,565 gives the same sequence; the c. name uses the placement nearest the transcript's 3' end. VCF-style (leftmost placement, unchanged base first): chr21-33554558-CAGAA-C. GRCh37 (hg19) VCF-style: chr21-34926864-CAGAA-C.
Other names: c.5331_5334del, p.Arg1778fs (NM_001291411.2, NM_032195.3); c.245-2594_245-2591del (NM_001291412.3); short protein forms R1778fs.
Identifiers: ClinVar variation 3897580 (VCV003897580.1).
Genomic context (GRCh38, chr21:33,554,558, plus strand): 5'-TACTTGCAAGTGATGTTGGACGTGACAGATCTGCTGCCAGCCCGGTTGTAAGTAGTATGC[CAGAA>C]AGAGCTTCAGAGTCTTCTTCAGAGGAAAAAGATGATTATGAAATTTTTGTAAAAGTTAAG-3'